The following is an entry in ClinVar:

ClinVar aggregate classification (germline): Likely benign (1 of 4 stars; one submission).

Allele frequency attached by ClinVar (database versions not stated): gnomAD below 0.00001 and 0.00001; gnomAD exomes below 0.00001.
gnomAD v4.1: 2 of 1,613,344 alleles (0.00012%); highest among the groups gnomAD compares: South Asian, 0.0022%; no homozygotes.

Submission:

GeneDx
Classification: Likely benign. Last evaluated: 2016-12-08. Review status: criteria provided, single submitter. Criteria: GeneDx Variant Classification (06012015). Collection method: clinical testing. Allele origin: germline. Affected: yes.
Comment: This variant is considered likely benign or benign based on one or more of the following criteria: it is a conservative change, it occurs at a poorly conserved position in the protein, it is predicted to be benign by multiple in silico algorithms, and/or has population frequency not consistent with disease.

NM_001035.3(RYR2):c.14238T>C (p.Ile4746=)

Gene: RYR2 (ryanodine receptor 2; plus strand). Cytogenetic location: 1q43.
Variant type: single nucleotide variant.
Coding change: c.14238T>C on transcript NM_001035.3 (MANE Select); coding-DNA position 14238, T replaced by C.
Protein change: p.Ile4746=; no amino-acid change (isoleucine 4746 retained).
Molecular consequence: synonymous variant.
Genome position (GRCh38, 1-based): chr1:237,806,223, T>C. VCF-style: chr1-237806223-T-C. GRCh37 (hg19) VCF-style: chr1-237969523-T-C.
Other names: c.14238T>C, p.Ile4746= (LRG_402t1).
Identifiers: ClinVar variation 391401 (VCV000391401.1), dbSNP rs1057524068, ClinGen allele CA16603583.